The following is an entry in ClinVar:

NM_000516.7(GNAS):c.139+9G>A

Gene: GNAS (GNAS complex locus; plus strand). Cytogenetic location: 20q13.32.
Variant type: single nucleotide variant.
Coding change: c.139+9G>A on transcript NM_000516.7 (MANE Select); 9 bases into the intron after coding-DNA position 139, G replaced by A.
Molecular consequence: intron variant.
Genome position (GRCh38, 1-based): chr20:58,891,874, G>A. VCF-style: chr20-58891874-G-A. GRCh37 (hg19) VCF-style: chr20-57466929-G-A.
Other names: c.*43-3738G>A (NM_016592.5); c.44-3738G>A (NM_001410912.1); c.-38-3738G>A (NM_001309861.2); c.*1-3738G>A (NM_001077490.3); c.2069-3738G>A (NM_080425.4, NM_001410913.1); c.*159-3738G>A (NM_001309883.1); c.-39+2521G>A (NM_001309840.2); c.139+9G>A (NM_001077488.5, NM_080426.4, NM_001077489.4 and 1 more transcripts).
Identifiers: ClinVar variation 3030081 (VCV003030081.3), dbSNP rs1457378947, ClinGen allele CA746044659.

ClinVar aggregate classification (germline): Likely benign. Review status: criteria provided, single submitter (1 of 4 stars). 2 submissions from 2 submitters: Likely benign (1). 1 of the submissions does not count toward it. Last evaluated 2026-04-14.

Conditions:
GNAS-related disorder. Identifiers: MedGen CN380105.

Submissions (2):

Women's Health and Genetics/Laboratory Corporation of America, LabCorp
Classification: Likely benign. Last evaluated: 2026-04-14. Review status: criteria provided, single submitter. Criteria: LabCorp Variant Classification Summary - May 2015. Collection method: clinical testing. Allele origin: germline.

PreventionGenetics, part of Exact Sciences
Classification: Likely benign for GNAS-related condition. Last evaluated: 2023-10-20. Review status: no assertion criteria provided. Collection method: clinical testing. Allele origin: germline. Not counted in ClinVar's aggregate classification.
Comment: This variant is classified as likely benign based on ACMG/AMP sequence variant interpretation guidelines (Richards et al. 2015 PMID: 25741868, with internal and published modifications).